The following is an entry in ClinVar:

NM_006767.4(LZTR1):c.1615+5G>A

Gene: LZTR1 (leucine zipper like post translational regulator 1; plus strand). Cytogenetic location: 22q11.21.
Variant type: single nucleotide variant.
Coding change: c.1615+5G>A on transcript NM_006767.4 (MANE Select); 5 bases into the intron after coding-DNA position 1615, G replaced by A.
Molecular consequence: intron variant.
Genome position (GRCh38, 1-based): chr22:20,994,274, G>A. VCF-style: chr22-20994274-G-A. GRCh37 (hg19) VCF-style: chr22-21348563-G-A.
Identifiers: ClinVar variation 1206269 (VCV001206269.17), dbSNP rs758783465, ClinGen allele CA10118956.

ClinVar aggregate classification (germline): Uncertain significance. Review status: criteria provided, multiple submitters, no conflicts (2 of 4 stars). 9 submissions from 9 submitters: Uncertain significance (7). 2 of the submissions do not count toward it. Last evaluated 2026-01-28.

Conditions:
Noonan syndrome 2 (NS2). Identifiers: Orphanet 648, MedGen C1854469, MONDO:0011531, OMIM 605275.
Noonan syndrome 10 (NS10). Identifiers: Orphanet 648, MedGen C4225280, MONDO:0014693, OMIM 616564.
Diffuse midline glioma, H3 K27-altered. Identifiers: MedGen C5669877, MONDO:1060171.
Hereditary cancer-predisposing syndrome. Also called: Hereditary neoplastic syndrome; Hereditary Cancer Syndrome; Neoplastic Syndromes, Hereditary; Tumor predisposition. Identifiers: Orphanet 140162, MedGen C0027672, MeSH D009386, MONDO:0015356.
Cardiovascular phenotype. Identifiers: MedGen CN230736.

Allele frequency attached by ClinVar (database versions not stated): TOPMed 0.00003; gnomAD 0.00004.
gnomAD v4.1: 41 of 1,596,972 alleles (0.0026%); highest among the groups gnomAD compares: Admixed American, 0.017%; no homozygotes.

Submissions (10):

Labcorp Genetics (formerly Invitae), Labcorp
Classification: Uncertain significance. Last evaluated: 2026-01-28. Review status: criteria provided, single submitter. Criteria: Invitae Variant Classification Sherloc (09022015). Collection method: clinical testing. Allele origin: germline.
Comment: This sequence change falls in intron 14 of the LZTR1 gene. It does not directly change the encoded amino acid sequence of the LZTR1 protein. It affects a nucleotide within the consensus splice site. This variant is present in population databases (rs758783465, gnomAD 0.009%). This variant has not been reported in the literature in individuals affected with LZTR1-related conditions. ClinVar contains an entry for this variant (Variation ID: 1206269). Variants that disrupt the consensus splice site are a relatively common cause of aberrant splicing (PMID: 17576681, 9536098). Algorithms developed to predict the effect of sequence changes on RNA splicing suggest that this variant may disrupt the consensus splice site. In summary, the available evidence is currently insufficient to determine the role of this variant in disease. Therefore, it has been classified as a Variant of Uncertain Significance.

Women's Health and Genetics/Laboratory Corporation of America, LabCorp
Classification: Uncertain significance. Last evaluated: 2025-02-09. Review status: criteria provided, single submitter. Criteria: LabCorp Variant Classification Summary - May 2015. Collection method: clinical testing. Allele origin: germline.

Clinical Genomics Laboratory, Washington University in St. Louis
Classification: Uncertain significance for Noonan syndrome 2; Noonan syndrome 10. Last evaluated: 2024-11-19. Review status: criteria provided, single submitter. Criteria: ACMG Guidelines, 2015. Collection method: clinical testing. Allele origin: germline.
Comment: An LZTR1 c.1615+5G>A variant was identified at a near heterozygous allelic fraction of 48.9%, a frequency which may be consistent with it being of germline origin. To our knowledge, it has not been reported in the medical literature. This variant has been reported in the ClinVar database as a variant of uncertain significance by several submitters (ClinVar ID: 1206269). The LZTR1 c.1615+5G>A variant is only observed on 41/1,596,972 alleles in the general population (gnomAD v.4.1.0). Computational predictors indicate that the variant has no impact on splicing, evidence that this variant does not have a damaging effect on LZTR1 function. Due to limited information, and based on ACMG/AMP guidelines for variant interpretation (Richards S et al., PMID: 25741868), the clinical significance of the LZTR1 c.1615+5G>A variant is uncertain at this time.

Blueprint Genetics
Classification: Uncertain significance. Last evaluated: 2024-10-30. Review status: criteria provided, single submitter. Criteria: ACMG Guidelines, 2015. Collection method: clinical testing. Allele origin: germline.

Ambry Genetics
Classification: Uncertain significance for Cardiovascular phenotype; Hereditary cancer-predisposing syndrome. Last evaluated: 2024-10-18. Review status: criteria provided, single submitter. Criteria: Ambry Variant Classification Scheme 2023. Collection method: clinical testing. Allele origin: germline.
Comment: The c.1615+5G>A intronic variant results from a G to A substitution 5 nucleotides after coding exon 14 in the LZTR1 gene. This nucleotide position is highly conserved in available vertebrate species. In silico splice site analysis predicts that this alteration will not have any significant effect on splicing. Since supporting evidence is limited at this time, the clinical significance of this alteration remains unclear.

GeneDx
Classification: Uncertain significance. Last evaluated: 2023-10-05. Review status: criteria provided, single submitter. Criteria: GeneDx Variant Classification Process June 2021. Collection method: clinical testing. Allele origin: germline. Affected: yes.
Comment: In silico analysis supports that this variant does not alter splicing; Has not been previously published as pathogenic or benign to our knowledge

Laboratory of Medical Genetics Unit, Bambino Gesù Children's Hospital
Classification: Uncertain significance for Diffuse midline glioma, H3 K27-altered. Last evaluated: 2023-01-25. Review status: criteria provided, single submitter. Criteria: ACMG Guidelines, 2015. Collection method: research. Allele origin: germline. Affected: yes. Observed: 1 heterozygote.

Diagnostic Laboratory, Department of Genetics, University Medical Center Groningen
Classification: Uncertain significance. Review status: no assertion criteria provided. Collection method: clinical testing. Allele origin: germline. Affected: yes. Study: VKGL Data-share Consensus. Not counted in ClinVar's aggregate classification.

Dr. Peter K. Rogan Lab, Western University
No classification provided (evidence only). Condition: Thymoma. Review status: no classification provided. Collection method: in vitro. Allele origin: not applicable. Functional consequence: retained intron. Not counted in ClinVar's aggregate classification.

Laboratory of Diagnostic Genome Analysis, Leiden University Medical Center (LUMC)
Classification: Uncertain significance. Review status: no assertion criteria provided. Collection method: clinical testing. Allele origin: germline. Affected: yes. Study: VKGL Data-share Consensus. Not counted in ClinVar's aggregate classification.

Literature cited by the submitters: PubMed 17576681 (cited by Labcorp Genetics (formerly Invitae), Labcorp); PubMed 9536098 (cited by Labcorp Genetics (formerly Invitae), Labcorp).